The following is an entry in ClinVar:

NM_000465.4(BARD1):c.1691A>C (p.Gln564Pro)

Gene: BARD1 (BRCA1 associated RING domain 1; minus strand). Cytogenetic location: 2q35.
Variant type: single nucleotide variant.
Coding change: c.1691A>C on transcript NM_000465.4 (MANE Select); coding-DNA position 1691, A replaced by C.
Protein change: p.Gln564Pro; replaces glutamine 564 with proline.
Molecular consequence: missense variant. On other transcripts: non-coding transcript variant (3), intron variant (1).
Genome position (GRCh38, 1-based): chr2:214,745,841, T>G on the plus strand (A>C on the coding strand, the complement: BARD1 is on the minus strand). VCF-style: chr2-214745841-T-G. GRCh37 (hg19) VCF-style: chr2-215610565-T-G.
Other names: c.1634A>C, p.Gln545Pro (NM_001282543.2); c.338A>C, p.Gln113Pro (NM_001282545.2); c.281A>C, p.Gln94Pro (NM_001282548.2); c.365-15333A>C (NM_001282549.2); c.1691A>C (NM_000465.2); short protein forms Q113P, Q545P, Q564P, Q94P.
Identifiers: ClinVar variation 940443 (VCV000940443.11), dbSNP rs1693087698, ClinGen allele CA350453294.
Genomic context (GRCh38, chr2:214,745,841, plus strand): 5'-ATTTTCTGTTGTTCTGAAGACAGCCCACTGCCTATAAGTACAAGAGGTCCATCCCTACGC[T>G]GCCCAGTGTTCATCTGTTAATATAAAAGGAGATACCAGTGTTAAAAACATTAGACGACTA-3'
Protein context (NP_000456.2, residues 554-574): ASHCSVMNTG[Gln564Pro]RRDGPLVLIG

ClinVar aggregate classification (germline): Uncertain significance. Review status: criteria provided, multiple submitters, no conflicts (2 of 4 stars). 2 submissions from 2 submitters: Uncertain significance (2). Last evaluated 2025-06-11.

Conditions:
Hereditary cancer-predisposing syndrome. Also called: Hereditary neoplastic syndrome; Neoplastic Syndromes, Hereditary; Tumor predisposition; Hereditary Cancer Syndrome. Identifiers: Orphanet 140162, MedGen C0027672, MeSH D009386, MONDO:0015356.
Familial cancer of breast. Also called: hereditary breast carcinoma; BREAST CANCER, FAMILIAL; Hereditary breast cancer. Identifiers: Orphanet 227535, MedGen C0346153, MONDO:0016419, OMIM 114480. Disease mechanism: loss of function.

Submissions (2):

Ambry Genetics
Classification: Uncertain significance for Hereditary cancer-predisposing syndrome. Last evaluated: 2025-06-11. Review status: criteria provided, single submitter. Criteria: Ambry Variant Classification Scheme 2023. Collection method: clinical testing. Allele origin: germline.
Comment: The p.Q564P variant (also known as c.1691A>C), located in coding exon 8 of the BARD1 gene, results from an A to C substitution at nucleotide position 1691. The glutamine at codon 564 is replaced by proline, an amino acid with similar properties. This amino acid position is well conserved in available vertebrate species. In addition, the in silico prediction for this alteration is inconclusive. Based on the available evidence, the clinical significance of this variant remains unclear.

Labcorp Genetics (formerly Invitae), Labcorp
Classification: Uncertain significance for Familial cancer of breast. Last evaluated: 2019-06-15. Review status: criteria provided, single submitter. Criteria: Invitae Variant Classification Sherloc (09022015). Collection method: clinical testing. Allele origin: germline.
Comment: Algorithms developed to predict the effect of missense changes on protein structure and function are either unavailable or do not agree on the potential impact of this missense change (SIFT: "Deleterious"; PolyPhen-2: "Benign"; Align-GVGD: "Class C0"). This variant has not been reported in the literature in individuals with BARD1-related conditions. This variant is not present in population databases (ExAC no frequency). This sequence change replaces glutamine with proline at codon 564 of the BARD1 protein (p.Gln564Pro). The glutamine residue is highly conserved and there is a moderate physicochemical difference between glutamine and proline. In summary, the available evidence is currently insufficient to determine the role of this variant in disease. Therefore, it has been classified as a Variant of Uncertain Significance.